The following is an entry in ClinVar:

ClinVar aggregate classification (germline): Uncertain significance. Review status: criteria provided, multiple submitters, no conflicts (2 of 4 stars). 3 submissions from 3 submitters: Uncertain significance (3). Last evaluated 2025-09-07.

Conditions:
Inborn genetic diseases. Identifiers: MedGen C0950123, MeSH D030342.

Allele frequency attached by ClinVar (database versions not stated): gnomAD exomes below 0.00001; ExAC 0.00001; gnomAD 0.00001; TOPMed 0.00002.
gnomAD v4.1: 6 of 1,614,116 alleles (0.00037%); highest among the groups gnomAD compares: Admixed American, 0.0017%; no homozygotes.

Submissions (3):

Labcorp Genetics (formerly Invitae), Labcorp
Classification: Uncertain significance. Last evaluated: 2025-09-07. Review status: criteria provided, single submitter. Criteria: Invitae Variant Classification Sherloc (09022015). Collection method: clinical testing. Allele origin: germline.
Comment: This sequence change replaces arginine, which is basic and polar, with glutamine, which is neutral and polar, at codon 611 of the RERE protein (p.Arg611Gln). This variant is present in population databases (rs763630160, gnomAD 0.003%). This variant has not been reported in the literature in individuals affected with RERE-related conditions. ClinVar contains an entry for this variant (Variation ID: 2334730). Invitae Evidence Modeling of protein sequence and biophysical properties (such as structural, functional, and spatial information, amino acid conservation, physicochemical variation, residue mobility, and thermodynamic stability) has been performed for this missense variant. However, the output from this modeling did not meet the statistical confidence thresholds required to predict the impact of this variant on RERE protein function. In summary, the available evidence is currently insufficient to determine the role of this variant in disease. Therefore, it has been classified as a Variant of Uncertain Significance.

Ambry Genetics
Classification: Uncertain significance for Inborn genetic diseases. Last evaluated: 2022-12-14. Review status: criteria provided, single submitter. Criteria: Ambry Variant Classification Scheme 2023. Collection method: clinical testing. Allele origin: germline.

Blueprint Genetics
Classification: Uncertain significance. Last evaluated: 2021-05-19. Review status: criteria provided, single submitter. Criteria: ACMG Guidelines, 2015. Collection method: clinical testing. Allele origin: germline.

NM_001042681.2(RERE):c.1832G>A (p.Arg611Gln)

Gene: RERE (arginine-glutamic acid dipeptide repeats; minus strand). Cytogenetic location: 1p36.23.
Variant type: single nucleotide variant.
Coding change: c.1832G>A on transcript NM_001042681.2 (MANE Select); coding-DNA position 1832, G replaced by A.
Protein change: p.Arg611Gln; replaces arginine 611 with glutamine.
Molecular consequence: missense variant.
Genome position (GRCh38, 1-based): chr1:8,362,753, C>T on the plus strand (G>A on the coding strand, the complement: RERE is on the minus strand). VCF-style: chr1-8362753-C-T. GRCh37 (hg19) VCF-style: chr1-8422813-C-T.
Other names: c.170G>A, p.Arg57Gln (NM_001042682.2); c.1832G>A, p.Arg611Gln (NM_012102.4); short protein forms R57Q, R611Q.
Identifiers: ClinVar variation 2334730 (VCV002334730.4), dbSNP rs763630160, ClinGen allele CA571533.